The following is an entry in ClinVar:

NM_152564.5(VPS13B):c.3151G>T (p.Glu1051Ter)

Gene: VPS13B (vacuolar protein sorting 13 homolog B; plus strand). Cytogenetic location: 8q22.2.
Variant type: single nucleotide variant.
Coding change: c.3151G>T on transcript NM_152564.5 (MANE Select); coding-DNA position 3151, G replaced by T.
Protein change: p.Glu1051Ter; replaces glutamic acid 1051 with a stop codon.
Molecular consequence: nonsense.
Genome position (GRCh38, 1-based): chr8:99,431,605, G>T. VCF-style: chr8-99431605-G-T. GRCh37 (hg19) VCF-style: chr8-100443833-G-T.
Other names: c.3151G>T, p.Glu1051Ter (NM_017890.5); short protein forms E1051*.
Identifiers: ClinVar variation 1451299 (VCV001451299.6), dbSNP rs2133412405, ClinGen allele CA371868144.

ClinVar aggregate classification (germline): Pathogenic (1 of 4 stars; one submission).

Conditions:
Cohen syndrome (COH1). Also called: Cutis verticis gyrata, retinitis pigmentosa, and sensorineural deafness; PEPPER SYNDROME. Identifiers: Orphanet 193, MedGen C0265223, MONDO:0008999, OMIM 216550.

Submission:

Labcorp Genetics (formerly Invitae), Labcorp
Classification: Pathogenic for Cohen syndrome. Last evaluated: 2021-11-15. Review status: criteria provided, single submitter. Criteria: Invitae Variant Classification Sherloc (09022015). Collection method: clinical testing. Allele origin: germline.
Comment: For these reasons, this variant has been classified as Pathogenic. This variant has not been reported in the literature in individuals affected with VPS13B-related conditions. This variant is not present in population databases (gnomAD no frequency). This sequence change creates a premature translational stop signal (p.Glu1051*) in the VPS13B gene. It is expected to result in an absent or disrupted protein product. Loss-of-function variants in VPS13B are known to be pathogenic (PMID: 15141358, 16648375, 20461111).

Literature cited by the submitters: PubMed 15141358; PubMed 16648375; PubMed 20461111.